The following is an entry in ClinVar:

NM_001282493.2(GOLGA8K):c.571C>G (p.Gln191Glu)

Gene: GOLGA8K (golgin A8 family member K). Cytogenetic location: 15q13.3.
Variant type: single nucleotide variant.
Coding change: c.571C>G on transcript NM_001282493.2 (MANE Select); coding-DNA position 571, C replaced by G.
Protein change: p.Gln191Glu; replaces glutamine 191 with glutamic acid.
Molecular consequence: missense variant.
Genome position (GRCh38, 1-based): chr15:32,398,580, G>C on the plus strand (C>G on the coding strand, the complement: GOLGA8K is on the minus strand). VCF-style: chr15-32398580-G-C. GRCh37 (hg19) VCF-style: chr15-32690781-G-C.
Other names: short protein forms Q191E.
Identifiers: ClinVar variation 2645120 (VCV002645120.24), dbSNP rs367831045, ClinGen allele CA268700456.
Genomic context (GRCh38, chr15:32,398,580, plus strand): 5'-AGCCAGGCTCCCAGGGGATGGGGCAGGTGGTTGGACTCACCTGGTTTGCCTTCTTCTTCT[G>C]TGTGGCCATGACATTAGAGAGAACACTCTCTAACTCTCCTTTACGCTGCAATGAATGTTG-3'
Protein context (NP_001269422.1, residues 181-201): ESVLSNVMAT[Gln191Glu]KKKANQLSSR

ClinVar aggregate classification (germline): Likely benign (1 of 4 stars; one submission).

Allele frequency attached by ClinVar (database versions not stated): gnomAD exomes 0.00188; 1000 Genomes Project 30x 0.00531.

Submission:

CeGaT Center for Human Genetics Tuebingen
Classification: Likely benign. Last evaluated: 2023-08-01. Review status: criteria provided, single submitter. Criteria: CeGaT Center For Human Genetics Tuebingen Variant Classification Criteria Version 2. Collection method: clinical testing. Allele origin: germline. Affected: yes. Observed: 2 variant alleles.
Comment: GOLGA8K: PP2, BP4, BS2